The following continues an entry in ClinVar:

NM_000257.4(MYH7):c.5500G>A (p.Ala1834Thr)

Gene: MYH7. ClinVar aggregate classification (germline): Conflicting classifications of pathogenicity. Uncertain significance (13); Benign (1); Likely benign (1).

Submissions 10 to 15 of 15:

GeneDx
Classification: Uncertain significance. Last evaluated: 2021-06-15. Review status: criteria provided, single submitter. Criteria: GeneDx Variant Classification Process June 2021. Collection method: clinical testing. Allele origin: germline. Affected: yes.
Comment: Reported in at least one individual in association with HCM (Homburger et al., 2016); however, no further clinical details or segregation data were described; In silico analysis supports that this missense variant does not alter protein structure/function; This variant is associated with the following publications: (PMID: 23861362, 23403236, 27247418, 26582918, 27535533)

Illumina Laboratory Services, Illumina
Classification: Uncertain significance for Myosin storage myopathy. Last evaluated: 2017-11-20. Review status: criteria provided, single submitter. Criteria: ICSL Variant Classification Criteria 13 December 2019. Collection method: clinical testing. Allele origin: germline.
Comment: This variant was observed as part of a predisposition screen in an ostensibly healthy population. A literature search was performed for the gene, cDNA change, and amino acid change (where applicable). Publications were found based on this search. However, the evidence from the literature, in combination with allele frequency data from public databases where available, was not sufficient to rule this variant in or out of causing disease. Therefore, this variant is classified as a variant of unknown significance.

Illumina Laboratory Services, Illumina
Classification: Uncertain significance for Hypertrophic cardiomyopathy 1. Last evaluated: 2017-11-20. Review status: criteria provided, single submitter. Criteria: ICSL Variant Classification Criteria 13 December 2019. Collection method: clinical testing. Allele origin: germline.
Comment: the same text as in the submission from Illumina Laboratory Services, Illumina above.

Illumina Laboratory Services, Illumina
Classification: Benign for MYH7-related skeletal myopathy. Last evaluated: 2017-11-20. Review status: criteria provided, single submitter. Criteria: ICSL Variant Classification Criteria 13 December 2019. Collection method: clinical testing. Allele origin: germline.
Comment: This variant was observed as part of a predisposition screen in an ostensibly healthy population. A literature search was performed for the gene, cDNA change, and amino acid change (where applicable). Publications were found based on this search. The evidence from the literature, in combination with allele frequency data from public databases where available, was sufficient to rule this variant out of causing disease. Therefore, this variant is classified as benign.

Laboratory for Molecular Medicine, Mass General Brigham Personalized Medicine
Classification: Uncertain significance. Last evaluated: 2015-02-25. Review status: criteria provided, single submitter. Criteria: LMM Criteria. Collection method: clinical testing. Allele origin: germline. Observed: 2 variant alleles.
Comment: Variant classified as Uncertain Significance - Favor Benign. This variant has also been identified in 4/66670 European chromosomes by the Exome Aggregation Consortium (ExAC; dbSN P rs143362532). Alanine (Ala) at position 1834 is not conserved in mammals or ev olutionarily distant species and the change to threonine (Thr) was predicted to be benign using a computational tool clinically validated by our laboratory. Thi s tool's benign prediction is estimated to be correct 89% of the time (Jordan 20 11). In summary, while the clinical significance of the p.Ala1834Thr variant is uncertain, these data suggest that it is more likely to be benign.

Biesecker Lab/Clinical Genomics Section, National Institutes of Health
Classification: Uncertain significance. Last evaluated: 2013-06-24. Review status: criteria provided, single submitter. Criteria: Ng et al. (Circ Cardiovasc Genet. 2013). Collection method: research. Allele origin: unknown. Observed: 1 variant allele. Study: ClinSeq.
Comment: The study set was not selected for affection status in relation to any cancer. Pathogenicity categories were based on literature curation. See Pubmed ID:23861362 for details.

Medical sequencing

Literature cited by the submitters: PubMed 27247418 (cited by 7 submitters); PubMed 37652022 (cited by Women's Health and Genetics/Laboratory Corporation of America, LabCorp and Labcorp Genetics (formerly Invitae), Labcorp); PubMed 35993536 (cited by 5 submitters); PubMed 23861362 (cited by 3 submitters); PubMed 38757491 (cited by Ambry Genetics); PubMed 24714796 (cited by Victorian Clinical Genetics Services, Murdoch Childrens Research Institute); PubMed 29300372 (cited by Victorian Clinical Genetics Services, Murdoch Childrens Research Institute).